The following is an entry in ClinVar:

ClinVar aggregate classification (germline): Uncertain significance (1 of 4 stars; one submission).

Allele frequency attached by ClinVar (database versions not stated): gnomAD exomes below 0.00001; TOPMed below 0.00001; gnomAD 0.00001.
gnomAD v4.1: 3 of 1,609,670 alleles (0.00019%); highest among the groups gnomAD compares: Non-Finnish European, 0.00017%; no homozygotes.

Submission:

Labcorp Genetics (formerly Invitae), Labcorp
Classification: Uncertain significance. Last evaluated: 2024-05-20. Review status: criteria provided, single submitter. Criteria: Invitae Variant Classification Sherloc (09022015). Collection method: clinical testing. Allele origin: germline.
Comment: This sequence change replaces tyrosine, which is neutral and polar, with aspartic acid, which is acidic and polar, at codon 192 of the POC1A protein (p.Tyr192Asp). This variant is not present in population databases (gnomAD no frequency). This variant has not been reported in the literature in individuals affected with POC1A-related conditions. ClinVar contains an entry for this variant (Variation ID: 1962101). Advanced modeling of protein sequence and biophysical properties (such as structural, functional, and spatial information, amino acid conservation, physicochemical variation, residue mobility, and thermodynamic stability) performed at Invitae indicates that this missense variant is not expected to disrupt POC1A protein function with a negative predictive value of 80%. In summary, the available evidence is currently insufficient to determine the role of this variant in disease. Therefore, it has been classified as a Variant of Uncertain Significance.

NM_015426.5(POC1A):c.574T>G (p.Tyr192Asp)

Gene: POC1A (POC1 centriolar protein A; minus strand). Cytogenetic location: 3p21.2.
Variant type: single nucleotide variant.
Coding change: c.574T>G on transcript NM_015426.5 (MANE Select); coding-DNA position 574, T replaced by G.
Protein change: p.Tyr192Asp; replaces tyrosine 192 with aspartic acid.
Molecular consequence: missense variant.
Genome position (GRCh38, 1-based): chr3:52,145,951, A>C on the plus strand (T>G on the coding strand, the complement: POC1A is on the minus strand). VCF-style: chr3-52145951-A-C. GRCh37 (hg19) VCF-style: chr3-52179967-A-C.
Other names: c.574T>G, p.Tyr192Asp (NM_001161580.2); c.460T>G, p.Tyr154Asp (NM_001161581.2); short protein forms Y154D, Y192D.
Identifiers: ClinVar variation 1962101 (VCV001962101.5), dbSNP rs1193799262, ClinGen allele CA353045234.
Genomic context (GRCh38, chr3:52,145,951, plus strand): 5'-TCACTGTGTTGTCCATGCCGGCAGCGGCAATGCACGTCCCACTGGGGTGGAAGTCCACAT[A>C]GGTGACAAAGCTGGAAAGACAGGGGCCACTATGCACTATAGGAGGTCTGCCCTGGTTCAG-3'
Protein context (NP_056241.3, residues 182-202): SYCEHGGFVT[Tyr192Asp]VDFHPSGTCI